The following is an entry in ClinVar:

ClinVar aggregate classification (germline): Uncertain significance (1 of 4 stars; one submission).

Conditions:
Alstrom syndrome (ALMS). Identifiers: Orphanet 64, MedGen C0268425, MONDO:0008763, OMIM 203800.

Allele frequency attached by ClinVar (database versions not stated): gnomAD exomes below 0.00001; TOPMed below 0.00001.
gnomAD v4.1: 2 of 1,613,856 alleles (0.00012%); highest among the groups gnomAD compares: South Asian, 0.0011%; no homozygotes.

Submission:

Labcorp Genetics (formerly Invitae), Labcorp
Classification: Uncertain significance for Alstrom syndrome. Last evaluated: 2023-10-03. Review status: criteria provided, single submitter. Criteria: Invitae Variant Classification Sherloc (09022015). Collection method: clinical testing. Allele origin: germline.
Comment: This sequence change replaces cysteine, which is neutral and slightly polar, with arginine, which is basic and polar, at codon 2278 of the ALMS1 protein (p.Cys2278Arg). This variant is not present in population databases (gnomAD no frequency). This variant has not been reported in the literature in individuals affected with ALMS1-related conditions. ClinVar contains an entry for this variant (Variation ID: 1413747). Experimental studies and prediction algorithms are not available or were not evaluated, and the functional significance of this variant is currently unknown. In summary, the available evidence is currently insufficient to determine the role of this variant in disease. Therefore, it has been classified as a Variant of Uncertain Significance.

NM_001378454.1(ALMS1):c.6829T>C (p.Cys2277Arg)

Gene: ALMS1 (ALMS1 centrosome and basal body associated protein; plus strand). Cytogenetic location: 2p13.1.
Variant type: single nucleotide variant.
Coding change: c.6829T>C on transcript NM_001378454.1 (MANE Select); coding-DNA position 6829, T replaced by C.
Protein change: p.Cys2277Arg; replaces cysteine 2277 with arginine.
Molecular consequence: missense variant.
Genome position (GRCh38, 1-based): chr2:73,453,356, T>C. VCF-style: chr2-73453356-T-C. GRCh37 (hg19) VCF-style: chr2-73680483-T-C.
Other names: c.6832T>C, p.Cys2278Arg (NM_015120.4); short protein forms C2277R, C2278R.
Identifiers: ClinVar variation 1413747 (VCV001413747.4), dbSNP rs1671989930, ClinGen allele CA347289572.